The following is an entry in ClinVar:

NM_016032.4(ZDHHC9):c.167+10G>A

Gene: ZDHHC9 (zDHHC palmitoyltransferase 9; minus strand). Cytogenetic location: Xq26.1.
Variant type: single nucleotide variant.
Coding change: c.167+10G>A on transcript NM_016032.4 (MANE Select); 10 bases into the intron after coding-DNA position 167, G replaced by A.
Molecular consequence: intron variant.
Genome position (GRCh38, 1-based): chrX:129,841,769, C>T on the plus strand (G>A on the coding strand, the complement: ZDHHC9 is on the minus strand). VCF-style: chrX-129841769-C-T. GRCh37 (hg19) VCF-style: chrX-128975745-C-T.
Other names: c.167+10G>A (NM_001008222.3).
Identifiers: ClinVar variation 196472 (VCV000196472.18), dbSNP rs140526450, ClinGen allele CA202391.

ClinVar aggregate classification (germline): Benign/Likely benign. Review status: criteria provided, multiple submitters, no conflicts (2 of 4 stars). 4 submissions from 4 submitters: Benign (2); Likely benign (1). 1 of the submissions does not count toward it. Last evaluated 2026-01-28.

Conditions:
ZDHHC9-related disorder. Also called: ZDHHC9-related condition.
Intellectual developmental disorder, X-linked, syndromic, Raymond type. Also called: Syndromic X-linked intellectual disability Raymond type. Identifiers: MedGen C3275406, MONDO:0010427, OMIM 300799.

Allele frequency attached by ClinVar (database versions not stated): gnomAD exomes 0.00022 and 0.00063; ExAC 0.00078; gnomAD 0.00231 and 0.00244; TOPMed 0.00263; ESP Exome Variant Server 0.00275; 1000 Genomes Project 0.00291; 1000 Genomes Project 30x 0.00333.

Submissions (4):

Labcorp Genetics (formerly Invitae), Labcorp
Classification: Benign for Intellectual developmental disorder, X-linked, syndromic, Raymond type. Last evaluated: 2026-01-28. Review status: criteria provided, single submitter. Criteria: Invitae Variant Classification Sherloc (09022015). Collection method: clinical testing. Allele origin: germline.

Blueprint Genetics
Classification: Likely benign. Last evaluated: 2024-08-22. Review status: criteria provided, single submitter. Criteria: ACMG Guidelines, 2015. Collection method: clinical testing. Allele origin: germline.

Eurofins Ntd Llc (ga)
Classification: Benign. Last evaluated: 2014-07-21. Review status: criteria provided, single submitter. Criteria: EGL Classification Definitions 2015. Collection method: clinical testing. Allele origin: germline. Observed: 1 variant allele, 1 heterozygote.

PreventionGenetics, part of Exact Sciences
Classification: Benign for ZDHHC9-related condition. Last evaluated: 2019-08-14. Review status: no assertion criteria provided. Collection method: clinical testing. Allele origin: germline. Not counted in ClinVar's aggregate classification.
Comment: This variant is classified as benign based on ACMG/AMP sequence variant interpretation guidelines (Richards et al. 2015 PMID: 25741868, with internal and published modifications).